The following is an entry in ClinVar:

NM_004972.4(JAK2):c.365G>A (p.Arg122His)

Genes: INSL6 (insulin like 6; minus strand), JAK2 (Janus kinase 2; plus strand). Cytogenetic location: 9p24.1.
Variant type: single nucleotide variant.
Coding change: c.365G>A on transcript NM_004972.4 (MANE Select); coding-DNA position 365, G replaced by A.
Protein change: p.Arg122His; replaces arginine 122 with histidine.
Molecular consequence: missense variant. On other transcripts: 5 prime UTR variant (3), non-coding transcript variant (2).
Genome position (GRCh38, 1-based): chr9:5,044,417, G>A. VCF-style: chr9-5044417-G-A. GRCh37 (hg19) VCF-style: chr9-5044417-G-A.
Other names: c.365G>A, p.Arg122His (NM_001322194.2, NM_001322195.2, NM_001322196.2); c.-756G>A (NM_001322198.2, NM_001322199.2); c.-83G>A (NM_001322204.2); short protein forms R122H.
Identifiers: ClinVar variation 2397580 (VCV002397580.16), dbSNP rs757898652, ClinGen allele CA4971569.

ClinVar aggregate classification (germline): Likely benign. Review status: criteria provided, multiple submitters, no conflicts (2 of 4 stars). 2 submissions from 2 submitters: Likely benign (2). Last evaluated 2024-11-01.

Conditions:
Inborn genetic diseases. Identifiers: MedGen C0950123, MeSH D030342.

Allele frequency attached by ClinVar (database versions not stated): gnomAD exomes 0.00003; TOPMed 0.00003; ExAC 0.00006; gnomAD 0.00008.
gnomAD v4.1: 52 of 1,609,634 alleles (0.0032%); highest among the groups gnomAD compares: South Asian, 0.0055%; no homozygotes.

Submissions (2):

CeGaT Center for Human Genetics Tuebingen
Classification: Likely benign. Last evaluated: 2024-11-01. Review status: criteria provided, single submitter. Criteria: CeGaT Center For Human Genetics Tuebingen Variant Classification Criteria Version 2. Collection method: clinical testing. Allele origin: germline. Affected: yes. Observed: 1 variant allele.
Comment: JAK2: BP4, BS2

Ambry Genetics
Classification: Likely benign for Inborn genetic diseases. Last evaluated: 2021-09-16. Review status: criteria provided, single submitter. Criteria: Ambry Variant Classification Scheme 2023. Collection method: clinical testing. Allele origin: germline.